The following is an entry in ClinVar:

NM_005045.4(RELN):c.578-274G>A

Gene: RELN (reelin; minus strand). Cytogenetic location: 7q22.1.
Variant type: single nucleotide variant.
Coding change: c.578-274G>A on transcript NM_005045.4 (MANE Select); 274 bases into the intron before coding-DNA position 578, G replaced by A.
Molecular consequence: intron variant.
Genome position (GRCh38, 1-based): chr7:103,749,778, C>T on the plus strand (G>A on the coding strand, the complement: RELN is on the minus strand). VCF-style: chr7-103749778-C-T. GRCh37 (hg19) VCF-style: chr7-103390225-C-T.
Other names: c.578-274G>A (NM_173054.3).
Identifiers: ClinVar variation 673526 (VCV000673526.1), dbSNP rs118139357, ClinGen allele CA12652726.

ClinVar aggregate classification (germline): Likely benign (1 of 4 stars; one submission).

Allele frequency attached by ClinVar (database versions not stated): 1000 Genomes Project 0.00599; 1000 Genomes Project 30x 0.00625; TOPMed 0.01486; gnomAD 0.01510 and 0.01554.
gnomAD v4.1: 2,320 of 152,302 alleles (1.5%); highest among the groups gnomAD compares: Non-Finnish European, 2.6%; 23 homozygotes.

Submission:

GeneDx
Classification: Likely benign. Last evaluated: 2018-06-16. Review status: criteria provided, single submitter. Criteria: GeneDx Variant Classification (06012015). Collection method: clinical testing. Allele origin: germline. Affected: yes.
Comment: This variant is considered likely benign or benign based on one or more of the following criteria: it is a conservative change, it occurs at a poorly conserved position in the protein, it is predicted to be benign by multiple in silico algorithms, and/or has population frequency not consistent with disease.